The following is an entry in ClinVar:

NM_005101.4(ISG15):c.490C>T (p.Arg164Trp)

Gene: ISG15 (ISG15 ubiquitin like modifier; plus strand). Cytogenetic location: 1p36.33.
Variant type: single nucleotide variant.
Coding change: c.490C>T on transcript NM_005101.4 (MANE Select); coding-DNA position 490, C replaced by T.
Protein change: p.Arg164Trp; replaces arginine 164 with tryptophan.
Molecular consequence: missense variant.
Genome position (GRCh38, 1-based): chr1:1,014,470, C>T. VCF-style: chr1-1014470-C-T. GRCh37 (hg19) VCF-style: chr1-949850-C-T.
Other names: c.490C>T (NM_005101.3); short protein forms R164W.
Identifiers: ClinVar variation 1440345 (VCV001440345.6), dbSNP rs747520666, ClinGen allele CA507731.

ClinVar aggregate classification (germline): Uncertain significance. Review status: criteria provided, multiple submitters, no conflicts (2 of 4 stars). 2 submissions from 2 submitters: Uncertain significance (2). Last evaluated 2022-11-17.

Conditions:
Mendelian susceptibility to mycobacterial diseases due to complete ISG15 deficiency. Also called: IMMUNODEFICIENCY 38, MYCOBACTERIOSIS, AUTOSOMAL RECESSIVE; ISG15 DEFICIENCY, AUTOSOMAL RECESSIVE; Immunodeficiency 38 with basal ganglia calcification; Immunodeficiency 38. Identifiers: Orphanet 319563, MedGen C4015293, MONDO:0014502, OMIM 616126.

Allele frequency attached by ClinVar (database versions not stated): gnomAD 0.00001; TOPMed 0.00001.

Submissions (2):

Ambry Genetics
Classification: Uncertain significance. Last evaluated: 2022-11-17. Review status: criteria provided, single submitter. Criteria: Ambry Variant Classification Scheme 2023. Collection method: clinical testing. Allele origin: germline.

Labcorp Genetics (formerly Invitae), Labcorp
Classification: Uncertain significance for Mendelian susceptibility to mycobacterial diseases due to complete ISG15 deficiency. Last evaluated: 2022-09-01. Review status: criteria provided, single submitter. Criteria: Invitae Variant Classification Sherloc (09022015). Collection method: clinical testing. Allele origin: germline.
Comment: This sequence change replaces arginine, which is basic and polar, with tryptophan, which is neutral and slightly polar, at codon 164 of the ISG15 protein (p.Arg164Trp). This variant is present in population databases (rs747520666, gnomAD 0.02%). This variant has not been reported in the literature in individuals affected with ISG15-related conditions. ClinVar contains an entry for this variant (Variation ID: 1440345). Algorithms developed to predict the effect of missense changes on protein structure and function are either unavailable or do not agree on the potential impact of this missense change (SIFT: "Deleterious"; PolyPhen-2: "Benign"; Align-GVGD: "Class C0"). In summary, the available evidence is currently insufficient to determine the role of this variant in disease. Therefore, it has been classified as a Variant of Uncertain Significance.